The following is an entry in ClinVar:

NM_003307.4(TRPM2):c.1380G>A (p.Val460=)

Gene: TRPM2 (transient receptor potential cation channel subfamily M member 2; plus strand). Cytogenetic location: 21q22.3.
Variant type: single nucleotide variant.
Coding change: c.1380G>A on transcript NM_003307.4 (MANE Select); coding-DNA position 1380, G replaced by A.
Protein change: p.Val460=; no amino-acid change (valine 460 retained).
Molecular consequence: synonymous variant. On other transcripts: non-coding transcript variant (1).
Genome position (GRCh38, 1-based): chr21:44,390,965, G>A. VCF-style: chr21-44390965-G-A. GRCh37 (hg19) VCF-style: chr21-45810848-G-A.
Other names: c.1380G>A, p.Val460= (NM_001320350.2, NM_001320351.2).
Identifiers: ClinVar variation 2652746 (VCV002652746.24), dbSNP rs144644492, ClinGen allele CA10054519.

ClinVar aggregate classification (germline): Likely benign (1 of 4 stars; one submission).

Allele frequency attached by ClinVar (database versions not stated): TOPMed 0.00014; ESP Exome Variant Server 0.00015; ExAC 0.00016; gnomAD 0.00019; gnomAD exomes 0.00021; 1000 Genomes Project 0.00040; 1000 Genomes Project 30x 0.00047.
gnomAD v4.1: 347 of 1,614,130 alleles (0.021%); highest among the groups gnomAD compares: Middle Eastern, 0.36%; 1 homozygote.

Submission:

CeGaT Center for Human Genetics Tuebingen
Classification: Likely benign. Last evaluated: 2023-04-01. Review status: criteria provided, single submitter. Criteria: CeGaT Center For Human Genetics Tuebingen Variant Classification Criteria Version 2. Collection method: clinical testing. Allele origin: germline. Affected: yes. Observed: 2 variant alleles.
Comment: TRPM2: BP4, BP7